The following is an entry in ClinVar:

NM_007194.4(CHEK2):c.1069T>A (p.Ser357Thr)

Gene: CHEK2 (checkpoint kinase 2; minus strand). Cytogenetic location: 22q12.1.
Variant type: single nucleotide variant.
Coding change: c.1069T>A on transcript NM_007194.4 (MANE Select); coding-DNA position 1069, T replaced by A.
Protein change: p.Ser357Thr; replaces serine 357 with threonine.
Molecular consequence: missense variant. On other transcripts: intron variant (3).
Genome position (GRCh38, 1-based): chr22:28,696,927, A>T on the plus strand (T>A on the coding strand, the complement: CHEK2 is on the minus strand). VCF-style: chr22-28696927-A-T. GRCh37 (hg19) VCF-style: chr22-29092915-A-T.
Other names: c.1198T>A, p.Ser400Thr (NM_001005735.3); c.406T>A, p.Ser136Thr (NM_001257387.3, NM_001437942.1); c.868T>A, p.Ser290Thr (NM_001349956.3); c.1162T>A, p.Ser388Thr (NM_001438293.1); c.1009-1054T>A (NM_145862.3); c.1102-1054T>A (NM_001438295.1); c.1138-1054T>A (NM_001438294.1); short protein forms S136T, S290T, S357T, S400T, S388T.
Identifiers: ClinVar variation 2562255 (VCV002562255.5), dbSNP rs2052608225, ClinGen allele CA411097574.

ClinVar aggregate classification (germline): Uncertain significance. Review status: criteria provided, multiple submitters, no conflicts (2 of 4 stars). 2 submissions from 2 submitters: Uncertain significance (2). Last evaluated 2023-09-10.

Conditions:
Hereditary cancer-predisposing syndrome. Also called: Neoplastic Syndromes, Hereditary; Hereditary Cancer Syndrome; Hereditary neoplastic syndrome; Tumor predisposition. Identifiers: Orphanet 140162, MedGen C0027672, MeSH D009386, MONDO:0015356.
Familial cancer of breast. Also called: Hereditary breast cancer; hereditary breast carcinoma; BREAST CANCER, FAMILIAL. Identifiers: Orphanet 227535, MedGen C0346153, MONDO:0016419, OMIM 114480. Disease mechanism: loss of function.

Submissions (2):

Labcorp Genetics (formerly Invitae), Labcorp
Classification: Uncertain significance for Familial cancer of breast. Last evaluated: 2023-09-10. Review status: criteria provided, single submitter. Criteria: Invitae Variant Classification Sherloc (09022015). Collection method: clinical testing. Allele origin: germline.
Comment: An algorithm developed to predict the effect of missense changes on protein structure and function (PolyPhen-2) suggests that this variant is likely to be disruptive. In summary, the available evidence is currently insufficient to determine the role of this variant in disease. Therefore, it has been classified as a Variant of Uncertain Significance. ClinVar contains an entry for this variant (Variation ID: 2562255). This variant has not been reported in the literature in individuals affected with CHEK2-related conditions. This variant is not present in population databases (gnomAD no frequency). This sequence change replaces serine, which is neutral and polar, with threonine, which is neutral and polar, at codon 357 of the CHEK2 protein (p.Ser357Thr).

Ambry Genetics
Classification: Uncertain significance for Hereditary cancer-predisposing syndrome. Last evaluated: 2023-05-14. Review status: criteria provided, single submitter. Criteria: Ambry Variant Classification Scheme 2023. Collection method: clinical testing. Allele origin: germline.
Comment: The p.S357T variant (also known as c.1069T>A), located in coding exon 9 of the CHEK2 gene, results from a T to A substitution at nucleotide position 1069. The serine at codon 357 is replaced by threonine, an amino acid with similar properties. This amino acid position is conserved. In addition, the in silico prediction for this alteration is inconclusive. Since supporting evidence is limited at this time, the clinical significance of this alteration remains unclear.